The following is an entry in ClinVar:

NM_001318852.2(MAPK8IP3):c.1499A>G (p.Glu500Gly)

Gene: MAPK8IP3 (mitogen-activated protein kinase 8 interacting protein 3; plus strand). Cytogenetic location: 16p13.3.
Variant type: single nucleotide variant.
Coding change: c.1499A>G on transcript NM_001318852.2 (MANE Select); coding-DNA position 1499, A replaced by G.
Protein change: p.Glu500Gly; replaces glutamic acid 500 with glycine.
Molecular consequence: missense variant.
Genome position (GRCh38, 1-based): chr16:1,761,265, A>G. VCF-style: chr16-1761265-A-G. GRCh37 (hg19) VCF-style: chr16-1811266-A-G.
Other names: c.1478A>G, p.Glu493Gly (NM_001040439.2); c.1496A>G, p.Glu499Gly (NM_015133.5, NM_033392.3); c.1496A>G (NM_015133.3); short protein forms E493G, E499G, E500G.
Identifiers: ClinVar variation 2672210 (VCV002672210.2), dbSNP rs747328726, ClinGen allele CA7816873.

ClinVar aggregate classification (germline): Uncertain significance. Review status: criteria provided, multiple submitters, no conflicts (2 of 4 stars). 2 submissions from 2 submitters: Uncertain significance (2). Last evaluated 2024-11-14.

Conditions:
Inborn genetic diseases. Identifiers: MedGen C0950123, MeSH D030342.
Neurodevelopmental disorder with or without variable brain abnormalities; NEDBA. Also called: NEURODEVELOPMENTAL DISORDER WITH OR WITHOUT VARIABLE BRAIN ABNORMALITIES. Identifiers: MedGen C5193102, MONDO:0032755, OMIM 618443.

Allele frequency attached by ClinVar (database versions not stated): ExAC 0.00001; gnomAD exomes 0.00001.
gnomAD v4.1: 15 of 1,613,792 alleles (0.00093%); highest among the groups gnomAD compares: Admixed American, 0.0017%; no homozygotes.

Submissions (2):

Ambry Genetics
Classification: Uncertain significance for Inborn genetic diseases. Last evaluated: 2024-11-14. Review status: criteria provided, single submitter. Criteria: Ambry Variant Classification Scheme 2023. Collection method: clinical testing. Allele origin: germline.

Clinical Genomics Laboratory, Washington University in St. Louis
Classification: Uncertain significance for Neurodevelopmental disorder with or without variable brain abnormalities; NEDBA. Last evaluated: 2023-08-16. Review status: criteria provided, single submitter. Criteria: ACMG Guidelines, 2015. Collection method: clinical testing. Allele origin: germline.
Comment: The MAPK8IP3 c.1499A>G (p.Glu500Gly) variant, to our knowledge, has not been reported in the medical literature and is only observed on 2/249,380 alleles in the general population (gnomAD v.2.1.1), indicating it is not a common variant. This variant occurs in a region without known function, changes a negatively charged glutamic acid to a non-polar glycine, and computational predictors suggest that the variant does not impact MAPK8IP3 function. Due to limited information, and based on ACMG/AMP guidelines for variant interpretation (Richards S et al., PMID: 25741868), the clinical significance of this variant is uncertain at this time.